The following is an entry in ClinVar:

NM_145868.2(ANXA11):c.539C>A (p.Thr180Asn)

Gene: ANXA11 (annexin A11; minus strand). Cytogenetic location: 10q22.3.
Variant type: single nucleotide variant.
Coding change: c.539C>A on transcript NM_145868.2 (MANE Select); coding-DNA position 539, C replaced by A.
Protein change: p.Thr180Asn; replaces threonine 180 with asparagine.
Molecular consequence: missense variant.
Genome position (GRCh38, 1-based): chr10:80,168,991, G>T on the plus strand (C>A on the coding strand, the complement: ANXA11 is on the minus strand). VCF-style: chr10-80168991-G-T. GRCh37 (hg19) VCF-style: chr10-81928747-G-T.
Other names: c.539C>A, p.Thr180Asn (NM_001157.3, NM_001278407.2, NM_001278408.2 and 1 more transcripts); c.440C>A, p.Thr147Asn (NM_001278409.2); short protein forms T180N, T147N.
Identifiers: ClinVar variation 2870112 (VCV002870112.3), dbSNP rs1178514519, ClinGen allele CA377367955.

ClinVar aggregate classification (germline): Uncertain significance (1 of 4 stars; one submission).

Allele frequency attached by ClinVar (database versions not stated): gnomAD 0.00002; TOPMed 0.00003.

Submission:

Labcorp Genetics (formerly Invitae), Labcorp
Classification: Uncertain significance. Last evaluated: 2023-10-04. Review status: criteria provided, single submitter. Criteria: Invitae Variant Classification Sherloc (09022015). Collection method: clinical testing. Allele origin: germline.
Comment: This sequence change replaces threonine, which is neutral and polar, with asparagine, which is neutral and polar, at codon 180 of the ANXA11 protein (p.Thr180Asn). This variant is present in population databases (no rsID available, gnomAD 0.01%). This missense change has been observed in individual(s) with amyotrophic lateral sclerosis (Invitae). An algorithm developed to predict the effect of missense changes on protein structure and function (PolyPhen-2) suggests that this variant is likely to be tolerated. In summary, the available evidence is currently insufficient to determine the role of this variant in disease. Therefore, it has been classified as a Variant of Uncertain Significance.